The following is an entry in ClinVar:

NM_006648.4(WNK2):c.2900T>C (p.Val967Ala)

Gene: WNK2 (WNK lysine deficient protein kinase 2; plus strand). Cytogenetic location: 9q22.31.
Variant type: single nucleotide variant.
Coding change: c.2900T>C on transcript NM_006648.4 (MANE Select); coding-DNA position 2900, T replaced by C.
Protein change: p.Val967Ala; replaces valine 967 with alanine.
Molecular consequence: missense variant.
Genome position (GRCh38, 1-based): chr9:93,259,448, T>C. VCF-style: chr9-93259448-T-C. GRCh37 (hg19) VCF-style: chr9-96021730-T-C.
Other names: c.2900T>C, p.Val967Ala (NM_001282394.3); short protein forms V967A.
Identifiers: ClinVar variation 4201555 (VCV004201555.1).

ClinVar aggregate classification (germline): Uncertain significance (1 of 4 stars; one submission).

Submission:

Ambry Genetics
Classification: Uncertain significance. Last evaluated: 2025-06-24. Review status: criteria provided, single submitter. Criteria: Ambry Variant Classification Scheme 2023. Collection method: clinical testing. Allele origin: germline.
Comment: The p.V967A variant (also known as c.2900T>C), located in coding exon 11 of the WNK2 gene, results from a T to C substitution at nucleotide position 2900. The valine at codon 967 is replaced by alanine, an amino acid with similar properties. This amino acid position is conserved. In addition, this alteration is predicted to be tolerated by in silico analysis. Based on the available evidence, the clinical significance of this variant remains unclear.